The following is an entry in ClinVar:

ClinVar aggregate classification (germline): Likely pathogenic (3 of 4 stars; one submission).

Conditions:
Hereditary thrombocytopenia and hematologic cancer predisposition syndrome. Identifiers: Orphanet 71290, MedGen CN281654, MONDO:0011071.

Submissions (3):

ClinGen Myeloid Malignancy Variant Curation Expert Panel
Classification: Likely pathogenic for Hereditary thrombocytopenia and hematologic cancer predisposition syndrome. Last evaluated: 2026-10-05. Review status: reviewed by expert panel. Criteria: ClinGen MyeloMalig ACMG Specifications V3.1. Collection method: curation. Allele origin: germline. Inheritance: Autosomal dominant inheritance.
Comment: NM_001754.5(RUNX1):c.508+1G>C is a canonical splice site variant which is predicted to result in exon 5 skipping (PVS1). This variant is completely absent from all population databases with at least 20x coverage for RUNX1 (PM2_supporting). In summary, this variant meets criteria to be classified as likely pathogenic. ACMG/AMP criteria applied, as specified by the Myeloid Malignancy Variant Curation Expert Panel for RUNX1: PVS1, PM2_Supporting.

Dr. Peter K. Rogan Lab, Western University
No classification provided (evidence only). Condition: Familial cancer of breast. Review status: no classification provided. Collection method: in vitro. Allele origin: not applicable. Functional consequence: retained intron. Not counted in ClinVar's aggregate classification.

MutSpliceDB: a database of splice sites variants effects on splicing, NIH
No classification provided (evidence only). Review status: no classification provided. Collection method: in vivo. Allele origin: not applicable. Functional consequence: retained intron. Not counted in ClinVar's aggregate classification.

NM_001754.5(RUNX1):c.508+1G>C

Genes: RUNX1 (RUNX family transcription factor 1; minus strand), RUNX1-AS1 (RUNX1 antisense RNA 1; plus strand). Cytogenetic location: 21q22.12.
Variant type: single nucleotide variant.
Coding change: c.508+1G>C on transcript NM_001754.5 (MANE Select); the canonical splice donor site of the intron after coding-DNA position 508, G replaced by C.
Molecular consequence: splice donor variant.
Genome position (GRCh38, 1-based): chr21:34,880,556, C>G on the plus strand (G>C on the coding strand, the complement: RUNX1 is on the minus strand). VCF-style: chr21-34880556-C-G. GRCh37 (hg19) VCF-style: chr21-36252853-C-G.
Other names: NM_001754.5:c.508+1G>C; NC_000021.8:g.36252853C>G; c.427+1G>C (NM_001001890.3, NM_001122607.2).
Identifiers: ClinVar variation 1299484 (VCV001299484.6), dbSNP rs1601515718, ClinGen allele CA410202462.